The following is an entry in ClinVar:

NM_001377.3(DYNC2H1):c.7867C>T (p.Gln2623Ter)

Gene: DYNC2H1 (dynein cytoplasmic 2 heavy chain 1; plus strand). Cytogenetic location: 11q22.3.
Variant type: single nucleotide variant.
Coding change: c.7867C>T on transcript NM_001377.3 (MANE Select); coding-DNA position 7867, C replaced by T.
Protein change: p.Gln2623Ter; replaces glutamine 2623 with a stop codon.
Molecular consequence: nonsense.
Genome position (GRCh38, 1-based): chr11:103,199,255, C>T. VCF-style: chr11-103199255-C-T. GRCh37 (hg19) VCF-style: chr11-103069984-C-T.
Other names: c.7867C>T, p.Gln2623Ter (NM_001080463.2); short protein forms Q2623*.
Identifiers: ClinVar variation 5014615 (VCV005014615.1).
Genomic context (GRCh38, chr11:103,199,255, plus strand): 5'-ATTAATTATAAAATATTCTGATTTTTTTAAAAGGGTCTTATTCATTATGGACGAGATAAC[C>T]AGAATTTAGACATTTTACTTTTCCACGAAGTCTTGGAGTATATGTCTAGGATAGATAGAG-3'

ClinVar aggregate classification (germline): Pathogenic (1 of 4 stars; one submission).

Conditions:
Asphyxiating thoracic dystrophy 3. Also called: SHORT-RIB THORACIC DYSPLASIA 3 WITH OR WITHOUT POLYDACTYLY; POLYDACTYLY WITH NEONATAL CHONDRODYSTROPHY, TYPE I; SHORT-RIB THORACIC DYSPLASIA 3/6 WITH POLYDACTYLY, DIGENIC; Short rib polydactyly syndrome 2B; Saldino-Noonan Syndrome. Identifiers: Orphanet 474, Orphanet 93269, Orphanet 93270, Orphanet 93271, MedGen C0036069, MONDO:0013127, OMIM 613091.

gnomAD v4.1: 13 of 1,596,704 alleles (0.00081%); highest among the groups gnomAD compares: Non-Finnish European, 0.0011%; no homozygotes.

Submission:

Myriad Genetics, Inc.
Classification: Pathogenic for Asphyxiating thoracic dystrophy 3. Last evaluated: 2025-06-18. Review status: criteria provided, single submitter. Criteria: Myriad Autosomal Dominant, Autosomal Recessive and X-Linked Classification Criteria (2023). Collection method: clinical testing. Allele origin: unknown.
Comment: NM_001377.2(DYNC2H1):c.7867C>T(Q2623*) is expected to be pathogenic in the context of DYNC2H1-related disorders. This variant is predicted to lead to an abnormal or absent protein product due to the creation of a premature termination codon in DYNC2H1, a gene where loss-of-function variants are known to be pathogenic. Please note: this variant was assessed in the context of healthy population screening.